The following continues an entry in ClinVar:

NM_000552.5(VWF):c.4751A>G (p.Tyr1584Cys)

Gene: VWF. ClinVar aggregate classification (germline): Conflicting classifications of pathogenicity; risk factor. Pathogenic (7); Likely pathogenic (14); Uncertain significance (7).

Submissions 18 to 33 of 38:

Laboratory for Molecular Medicine, Mass General Brigham Personalized Medicine
Classification: Likely pathogenic for Hereditary von Willebrand disease. Last evaluated: 2022-06-23. Review status: criteria provided, single submitter. Criteria: ACMG Guidelines, 2015. Collection method: clinical testing. Allele origin: germline. Inheritance: Autosomal dominant inheritance.
Comment: The p.Tyr1584Cys variant in VWF has been reported in >15 individuals with Von Willebrand Disease (VWD) and segregated with disease in at least 3 affected individuals from 3 families. However, this variant has also been associated with a milder phenotype and may display reduced penetrance, as not all individuals who harbor the variant are clinically affected (O'Brien 2003 PMID: 12649144, Bellissimo 2012 PMID: 22197721, Daidone 2017 PMID:27380589, Vangenechten 2019 PMID: 30722078, Freitas 2019 PMID: 30817071). It has also been identified in 0.402% (519/128972) of European chromosomes, including 4 homozygous observations, by gnomAD. Please note that for diseases with clinical variability or reduced penetrance, pathogenic variants may be present at a low frequency in the general population. This variant has also been reported in ClinVar (Variation ID: 310). Computational prediction tools and conservation analyses do not provide strong support for or against an impact to the protein. In vitro functional studies provide some evidence that this variant impacts protein function (O'Brien 2003 PMID: 12649144, Pruss 2011 PMID: 21346256); however, these types of assays may not accurately represent biological function. Animal models in mice have shown that this variant causes decreased thrombus formation (Pruss 2011 PMID: 21346256). In summary, although additional studies are required to fully establish its clinical significance, this variant meets criteria to be classified as likely pathogenic with reduced penetrance for autosomal dominant VWD. ACMG/AMP Criteria applied: PS3, PS4_Moderate, PP1.

Laboratory of Hematology, Radboud University Medical Center
Classification: Pathogenic for von Willebrand disease type 1. Last evaluated: 2022-05-31. Review status: criteria provided, single submitter. Criteria: ACMG Guidelines, 2015. Collection method: research. Allele origin: germline. Affected: yes. Observed: 16 variant alleles. Study: WIN study.

Laboratory of Hematology, Radboud University Medical Center
Classification: Pathogenic for von Willebrand disease type 2. Last evaluated: 2022-05-31. Review status: criteria provided, single submitter. Criteria: ACMG Guidelines, 2015. Collection method: research. Allele origin: germline. Affected: yes. Observed: 1 variant allele. Study: WIN study.

Mendelics
Classification: Pathogenic for von Willebrand disease type 1. Last evaluated: 2022-05-04. Review status: criteria provided, single submitter. Criteria: Mendelics Assertion Criteria 2019. Collection method: clinical testing. Allele origin: germline.

Institute of Human Genetics, Clinical Exome/Genome Diagnostics Group, University Hospital Bonn
Classification: risk factor for von Willebrand disease type 1. Last evaluated: 2022-01-26. Review status: criteria provided, single submitter. Criteria: ACMG Guidelines, 2015. Collection method: clinical testing. Allele origin: germline.

Quest Diagnostics Nichols Institute San Juan Capistrano
Classification: Pathogenic. Last evaluated: 2021-12-28. Review status: criteria provided, single submitter. Criteria: Quest Diagnostics criteria. Collection method: clinical testing. Allele origin: unknown.
Comment: In the published literature, this variant has been reported in more frequently in individuals with Type I von Willebrand disease (vWD) than unaffected individuals (PMID: 12649144 (2003), 17119126 (2007)), 28091443 (2017)). Functional studies have shown that this variant causes decreased VWF protein levels, decreased VWF protein function, (PMID: 16985174 (2007), 23355534 (2013), 23426949 (2013), 25103891 (2014)), and increased susceptibility of the VWF protein to proteolysis (PMID: 14525793 (2004), 19506354 (2009), 21346256 (2011)). This variant has also been described as having reduced penetrance and a mild or moderate phenotypic effect (PMID: 16985174 (2007)).Based on the available information, this variant is classified as pathogenic.

Genetics and Molecular Pathology, SA Pathology
Classification: Uncertain significance for von Willebrand disease type 2. Last evaluated: 2021-07-06. Review status: criteria provided, single submitter. Criteria: ACMG Guidelines, 2015. Collection method: clinical testing. Allele origin: germline. Affected: yes.

Johns Hopkins Genomics, Johns Hopkins University
Classification: Likely pathogenic for von Willebrand disease type 2. Last evaluated: 2020-08-28. Review status: criteria provided, single submitter. Criteria: ACMG Guidelines, 2015. Collection method: clinical testing. Allele origin: germline.
Comment: This VWF variant is a known risk factor allele and has been reported in numerous individuals with von Willebrand disease. Functional assays have shown that this variant results in a decrease of protein production and expression when compared to wildtype. VWF c.4751A>G is located within the A2 collagen functinal domain. This variant (rs1800386) has been identified in a large population dataset and the minor allele frequency is neither low enough to consider the variant rare (<0.1%) nor high enough to consider it a population polymorphism (>1%): gnomAD: 743/282486 alleles; 0.26%, 4 homozygotes). VWF c.4751A>G has been reported in ClinVar. We consider this variant to be likely pathogenic.

ISTH-SSC Genomics in Thrombosis and Hemostasis, KU Leuven, Center for Molecular and Vascular Biology
Classification: Likely pathogenic for von Willebrand disease type 1. Review status: criteria provided, single submitter. Criteria: ACMG Guidelines, 2015. Collection method: clinical testing. Allele origin: germline. Affected: yes. Observed: 5 heterozygotes. Clinical features observed: bleeding, Deep vein thrombosis, Thrombocytopenia.
Comment: Submitted to GoldVariant by Kathleen Freson, Center for Molecular and Vascular Biology, Leuven, Belgium

ISTH-SSC Genomics in Thrombosis and Hemostasis, KU Leuven, Center for Molecular and Vascular Biology
Classification: Likely pathogenic for Thrombus. Review status: criteria provided, single submitter. Criteria: ACMG Guidelines, 2015. Collection method: clinical testing. Allele origin: germline. Affected: yes. Observed: 1 heterozygote.
Comment: the same text as in the submission from ISTH-SSC Genomics in Thrombosis and Hemostasis, KU Leuven, Center for Molecular and Vascular Biology above.

ISTH-SSC Genomics in Thrombosis and Hemostasis, KU Leuven, Center for Molecular and Vascular Biology
Classification: Uncertain significance for Thrombocytopenia. Review status: criteria provided, single submitter. Criteria: ACMG Guidelines, 2015. Collection method: clinical testing. Allele origin: germline. Affected: yes. Observed: 1 compound heterozygote.
Comment: Submitted to the GoldVariant database by Dr Marie-Christine Morel-Kopp; Northern Blood Research Centre, Sydney, Australia

Juno Genomics, Hangzhou Juno Genomics, Inc
Classification: Likely pathogenic for von Willebrand disease type 1; von Willebrand disease type 3; von Willebrand disease type 2. Review status: criteria provided, single submitter. Criteria: ACMG Guidelines, 2015. Collection method: clinical testing. Allele origin: germline.
Comment: Well-established in vitro or in vivo functional studies supportive of a damaging effect on the gene or gene product.;The prevalence of the variant in affected individuals is significantly increased compared to the prevalence in controls.;Co-segregation with disease in multiple affected family members.;Missense variant in a gene that has a low rate of benign missense variation.

Clinical Molecular Genetics Laboratory, Johns Hopkins All Children's Hospital
Classification: Pathogenic for von Willebrand disorder. Last evaluated: 2013-12-05. Review status: no assertion criteria provided. Collection method: clinical testing. Allele origin: germline. Affected: yes. Not counted in ClinVar's aggregate classification.

OMIM
Classification: risk factor for VON WILLEBRAND DISEASE, TYPE 1, SUSCEPTIBILITY TO. Last evaluated: 2006-11-01. Review status: no assertion criteria provided. Collection method: literature only. Allele origin: germline. Not counted in ClinVar's aggregate classification.

Academic Unit of Haematology, University of Sheffield
No classification provided. Review status: no classification provided. Collection method: not provided. Allele origin: not provided. Not counted in ClinVar's aggregate classification.

Clinical Genetics DNA and cytogenetics Diagnostics Lab, Erasmus MC, Erasmus Medical Center
Classification: Pathogenic. Review status: no assertion criteria provided. Collection method: clinical testing. Allele origin: germline. Affected: yes. Study: VKGL Data-share Consensus. Not counted in ClinVar's aggregate classification.